The following is an entry in ClinVar:

ClinVar aggregate classification (germline): Uncertain significance (1 of 4 stars; one submission).

Conditions:
Familial melanoma. Also called: Hereditary melanoma; Hereditary cutaneous melanoma. Identifiers: Orphanet 618, MedGen C1512419, MONDO:0018961.

Submission:

Labcorp Genetics (formerly Invitae), Labcorp
Classification: Uncertain significance for Familial melanoma. Last evaluated: 2022-10-11. Review status: criteria provided, single submitter. Criteria: Invitae Variant Classification Sherloc (09022015). Collection method: clinical testing. Allele origin: germline.
Comment: A copy number gain of the genomic region encompassing the full coding sequence of the CDKN2A (p16INK4a) gene has been identified. The boundaries of this event are unknown as they extend beyond the assayed region for this gene and therefore may encompass additional genes. As the precise location of this event is unknown, it may be in tandem or it may be located elsewhere in the genome. This variant has not been reported in the literature in individuals affected with CDKN2A (p16INK4a)-related conditions. In summary, the available evidence is currently insufficient to determine the role of this variant in disease. Therefore, it has been classified as a Variant of Uncertain Significance.

NC_000009.11:g.(?_21968228)_(22160087_?)dup

Genes: CDKN2A (cyclin dependent kinase inhibitor 2A; minus strand), CDKN2B (cyclin dependent kinase inhibitor 2B; minus strand), CDKN2B-AS1 (CDKN2B antisense RNA 1; plus strand). Cytogenetic location: 9p21.3.
Variant type: Duplication.
Identifiers: ClinVar variation 1014424 (VCV001014424.2).